The following is an entry in ClinVar:

ClinVar aggregate classification (germline): Uncertain significance (1 of 4 stars; one submission).

Conditions:
PEX16-related disorder. Also called: PEX16-related condition.

gnomAD v4.1: 2 of 1,611,526 alleles (0.00012%); highest among the groups gnomAD compares: African/African-American, 0.0027%; no homozygotes.

Submission:

PreventionGenetics, part of Exact Sciences
Classification: Uncertain significance for PEX16-related condition. Last evaluated: 2025-03-05. Review status: criteria provided, single submitter. Criteria: ACMG Guidelines, 2015. Collection method: clinical testing. Allele origin: germline.
Comment: The PEX16 c.1010C>A variant is predicted to result in premature protein termination (p.Ser337*). To our knowledge, this variant has not been reported in the literature. This variant is reported in 0.012% of alleles in individuals of African descent in gnomAD. This variant is located in the last exon and no variants downstream have been reported in the literature. At this time, the clinical significance of this variant is uncertain due to the absence of conclusive functional and genetic evidence.

NM_004813.4(PEX16):c.*134C>A

Gene: PEX16 (peroxisomal biogenesis factor 16; minus strand). Cytogenetic location: 11p11.2.
Variant type: single nucleotide variant.
Coding change: c.*134C>A on transcript NM_004813.4 (MANE Select); 134 bases downstream of the stop codon, C replaced by A.
Molecular consequence: 3 prime UTR variant. On other transcripts: nonsense (1).
Genome position (GRCh38, 1-based): chr11:45,910,120, G>T on the plus strand (C>A on the coding strand, the complement: PEX16 is on the minus strand). VCF-style: chr11-45910120-G-T. GRCh37 (hg19) VCF-style: chr11-45931671-G-T.
Other names: c.1010C>A, p.Ser337Ter (NM_057174.3); short protein forms S337*.
Identifiers: ClinVar variation 4983577 (VCV004983577.1).